The following is an entry in ClinVar:

NM_015335.5(MED13L):c.3161C>T (p.Pro1054Leu)

Gene: MED13L (mediator complex subunit 13L; minus strand). Cytogenetic location: 12q24.21.
Variant type: single nucleotide variant.
Coding change: c.3161C>T on transcript NM_015335.5 (MANE Select); coding-DNA position 3161, C replaced by T.
Protein change: p.Pro1054Leu; replaces proline 1054 with leucine.
Molecular consequence: missense variant.
Genome position (GRCh38, 1-based): chr12:115,991,793, G>A on the plus strand (C>T on the coding strand, the complement: MED13L is on the minus strand). VCF-style: chr12-115991793-G-A. GRCh37 (hg19) VCF-style: chr12-116429598-G-A.
Other names: short protein forms P1054L.
Identifiers: ClinVar variation 3253224 (VCV003253224.1), dbSNP rs2499857872.

ClinVar aggregate classification (germline): Uncertain significance (1 of 4 stars; one submission).

Submission:

GeneDx
Classification: Uncertain significance. Last evaluated: 2023-08-16. Review status: criteria provided, single submitter. Criteria: GeneDx Variant Classification Process June 2021. Collection method: clinical testing. Allele origin: germline. Affected: yes.
Comment: Not observed at significant frequency in large population cohorts (gnomAD); In silico analysis supports that this missense variant has a deleterious effect on protein structure/function; Has not been previously published as pathogenic or benign to our knowledge